The following is an entry in ClinVar:

NM_052963.3(TOP1MT):c.1511C>T (p.Ala504Val)

Gene: TOP1MT (DNA topoisomerase I mitochondrial; minus strand). Cytogenetic location: 8q24.3.
Variant type: single nucleotide variant.
Coding change: c.1511C>T on transcript NM_052963.3 (MANE Select); coding-DNA position 1511, C replaced by T.
Protein change: p.Ala504Val; replaces alanine 504 with valine.
Molecular consequence: missense variant.
Genome position (GRCh38, 1-based): chr8:143,315,769, G>A on the plus strand (C>T on the coding strand, the complement: TOP1MT is on the minus strand). VCF-style: chr8-143315769-G-A. GRCh37 (hg19) VCF-style: chr8-144397939-G-A.
Other names: c.1217C>T, p.Ala406Val (NM_001258446.1, NM_001258447.1); short protein forms A406V, A504V.
Identifiers: ClinVar variation 3006998 (VCV003006998.3), dbSNP rs1325634219, ClinGen allele CA372410651.

ClinVar aggregate classification (germline): Uncertain significance (1 of 4 stars; one submission).

Allele frequency attached by ClinVar (database versions not stated): gnomAD 0.00001; gnomAD exomes 0.00002; TOPMed 0.00002.
gnomAD v4.1: 30 of 1,613,762 alleles (0.0019%); highest among the groups gnomAD compares: East Asian, 0.025%; no homozygotes.

Submission:

Labcorp Genetics (formerly Invitae), Labcorp
Classification: Uncertain significance. Last evaluated: 2024-05-29. Review status: criteria provided, single submitter. Criteria: Invitae Variant Classification Sherloc (09022015). Collection method: clinical testing. Allele origin: germline.
Comment: This sequence change replaces alanine, which is neutral and non-polar, with valine, which is neutral and non-polar, at codon 504 of the TOP1MT protein (p.Ala504Val). This variant is not present in population databases (gnomAD no frequency). This variant has not been reported in the literature in individuals affected with TOP1MT-related conditions. Advanced modeling of protein sequence and biophysical properties (such as structural, functional, and spatial information, amino acid conservation, physicochemical variation, residue mobility, and thermodynamic stability) performed at Invitae indicates that this missense variant is not expected to disrupt TOP1MT protein function with a negative predictive value of 80%. In summary, the available evidence is currently insufficient to determine the role of this variant in disease. Therefore, it has been classified as a Variant of Uncertain Significance.